The following is an entry in ClinVar:

NM_001271938.2(MEGF8):c.1031A>G (p.Asp344Gly)

Gene: MEGF8 (multiple EGF like domains 8; plus strand). Cytogenetic location: 19q13.2.
Variant type: single nucleotide variant.
Coding change: c.1031A>G on transcript NM_001271938.2 (MANE Select); coding-DNA position 1031, A replaced by G.
Protein change: p.Asp344Gly; replaces aspartic acid 344 with glycine.
Molecular consequence: missense variant.
Genome position (GRCh38, 1-based): chr19:42,336,133, A>G. VCF-style: chr19-42336133-A-G. GRCh37 (hg19) VCF-style: chr19-42840285-A-G.
Other names: c.1031A>G, p.Asp344Gly (NM_001410.3); short protein forms D344G.
Identifiers: ClinVar variation 1810439 (VCV001810439.5), dbSNP rs199720072, ClinGen allele CA9474328.
Genomic context (GRCh38, chr19:42,336,133, plus strand): 5'-CTGCCTCCAGCTCCTCGGGGCCCCCAGGCCTGGCAGGTCACGCGGCTGCCCTGGTGGATG[A>G]TGTCTGGCTATATGTGTCTGGAGGCCGCACCCCGCACGACCTCTTCTCCTCTGGCCTCTT-3'
Protein context (NP_001258867.1, residues 334-354): LAGHAAALVD[Asp344Gly]VWLYVSGGRT

ClinVar aggregate classification (germline): Uncertain significance. Review status: criteria provided, multiple submitters, no conflicts (2 of 4 stars). 3 submissions from 3 submitters: Uncertain significance (3). Last evaluated 2024-03-12.

Conditions:
MEGF8-related Carpenter syndrome. Also called: Carpenter syndrome 2. Identifiers: Orphanet 65759, MedGen C3554247, MONDO:0013998, OMIM 614976.
Inborn genetic diseases. Identifiers: MedGen C0950123, MeSH D030342.

Allele frequency attached by ClinVar (database versions not stated): gnomAD exomes 0.00002; gnomAD 0.00005; TOPMed 0.00009; ExAC 0.00011; 1000 Genomes Project 30x 0.00031; 1000 Genomes Project 0.00040.
gnomAD v4.1: 30 of 1,609,014 alleles (0.0019%); highest among the groups gnomAD compares: East Asian, 0.065%; no homozygotes.

Submissions (3):

Ambry Genetics
Classification: Uncertain significance for Inborn genetic diseases. Last evaluated: 2024-03-12. Review status: criteria provided, single submitter. Criteria: Ambry Variant Classification Scheme 2023. Collection method: clinical testing. Allele origin: germline.

Labcorp Genetics (formerly Invitae), Labcorp
Classification: Uncertain significance for MEGF8-related Carpenter syndrome. Last evaluated: 2022-07-17. Review status: criteria provided, single submitter. Criteria: Invitae Variant Classification Sherloc (09022015). Collection method: clinical testing. Allele origin: germline.
Comment: In summary, the available evidence is currently insufficient to determine the role of this variant in disease. Therefore, it has been classified as a Variant of Uncertain Significance. Algorithms developed to predict the effect of missense changes on protein structure and function (SIFT, PolyPhen-2, Align-GVGD) all suggest that this variant is likely to be tolerated. This variant has not been reported in the literature in individuals affected with MEGF8-related conditions. This variant is present in population databases (rs199720072, gnomAD 0.1%). This sequence change replaces aspartic acid, which is acidic and polar, with glycine, which is neutral and non-polar, at codon 344 of the MEGF8 protein (p.Asp344Gly).

GeneDx
Classification: Uncertain significance. Last evaluated: 2022-07-07. Review status: criteria provided, single submitter. Criteria: GeneDx Variant Classification Process June 2021. Collection method: clinical testing. Allele origin: germline. Affected: yes.
Comment: In silico analysis supports that this missense variant has a deleterious effect on protein structure/function; Has not been previously published as pathogenic or benign to our knowledge